The following is an entry in ClinVar:

ClinVar aggregate classification (germline): Uncertain significance (1 of 4 stars; one submission).

Conditions:
Leigh syndrome (NULS). Also called: Leigh's necrotizing encephalopathy; Leigh's disease; Leigh Syndrome (mtDNA deletion); Leigh Disease; Subacute necrotizing encephalopathy; Necrotizing encephalopathy infantile subacute of Leigh. Identifiers: Orphanet 506, MedGen C2931891, MONDO:0009723, OMIM 256000.

Submission:

Wong Mito Lab, Molecular and Human Genetics, Baylor College of Medicine
Classification: Uncertain significance for Leigh syndrome. Last evaluated: 2019-10-17. Review status: criteria provided, single submitter. Criteria: Modified ACMG Guidelines (Unpublished). Collection method: clinical testing. Allele origin: germline.
Comment: The NC_012920.1:m.10111T>C (YP_003024033.1:p.Met18Thr) variant in MTND3 gene is interpretated to be a Uncertain Significance variant based on the modified ACMG guidelines (unpublished). This variant meets the following evidence codes: no criteria

NC_012920.1(MT-ND3):m.10111T>C

Gene: MT-ND3 (mitochondrially encoded NADH dehydrogenase 3; plus strand).
Variant type: single nucleotide variant.
Genome position: chrM-10111-T-C.
Identifiers: ClinVar variation 693263 (VCV000693263.1), dbSNP rs1603222676, ClinGen allele CA414804292.